The following is an entry in ClinVar:

ClinVar aggregate classification (germline): Uncertain significance. Review status: criteria provided, multiple submitters, no conflicts (2 of 4 stars). 2 submissions from 2 submitters: Uncertain significance (2). Last evaluated 2025-08-03.

Allele frequency attached by ClinVar (database versions not stated): gnomAD 0.00003; TOPMed 0.00009; ExAC 0.00010; 1000 Genomes Project 30x 0.00016; 1000 Genomes Project 0.00020.
gnomAD v4.1: 31 of 1,613,876 alleles (0.0019%); highest among the groups gnomAD compares: Admixed American, 0.05%; no homozygotes.

Submissions (2):

Labcorp Genetics (formerly Invitae), Labcorp
Classification: Uncertain significance. Last evaluated: 2025-08-03. Review status: criteria provided, single submitter. Criteria: Invitae Variant Classification Sherloc (09022015). Collection method: clinical testing. Allele origin: germline.
Comment: This sequence change replaces proline, which is neutral and non-polar, with arginine, which is basic and polar, at codon 571 of the NIN protein (p.Pro571Arg). This variant is present in population databases (rs201033602, gnomAD 0.08%), and has an allele count higher than expected for a pathogenic variant. This variant has not been reported in the literature in individuals affected with NIN-related conditions. ClinVar contains an entry for this variant (Variation ID: 1899407). An algorithm developed to predict the effect of missense changes on protein structure and function (PolyPhen-2) suggests that this variant is likely to be disruptive. In summary, the available evidence is currently insufficient to determine the role of this variant in disease. Therefore, it has been classified as a Variant of Uncertain Significance.

Ambry Genetics
Classification: Uncertain significance. Last evaluated: 2025-01-23. Review status: criteria provided, single submitter. Criteria: Ambry Variant Classification Scheme 2023. Collection method: clinical testing. Allele origin: germline.

NM_020921.4(NIN):c.1712C>G (p.Pro571Arg)

Gene: NIN (ninein; minus strand). Cytogenetic location: 14q22.1.
Variant type: single nucleotide variant.
Coding change: c.1712C>G on transcript NM_020921.4 (MANE Select); coding-DNA position 1712, C replaced by G.
Protein change: p.Pro571Arg; replaces proline 571 with arginine.
Molecular consequence: missense variant.
Genome position (GRCh38, 1-based): chr14:50,763,888, G>C on the plus strand (C>G on the coding strand, the complement: NIN is on the minus strand). VCF-style: chr14-50763888-G-C. GRCh37 (hg19) VCF-style: chr14-51230606-G-C.
Other names: c.1712C>G, p.Pro571Arg (NM_016350.5, NM_182944.3, NM_182946.2); short protein forms P571R.
Identifiers: ClinVar variation 1899407 (VCV001899407.7), dbSNP rs201033602, ClinGen allele CA7182110.
Genomic context (GRCh38, chr14:50,763,888, plus strand): 5'-TGTTCGGGCTCAATGCCACCGCTGTTAGCCTCAACTTCTTCTGACGGTGAGTTCTTCAAC[G>C]GAAGCCTGAGCACTCTGCCTTGTGCACGATATTCTTCCAGCTCAGACTGGAGTTCATCTA-3'
Protein context (NP_065972.4, residues 561-581): YRAQGRVLRL[Pro571Arg]LKNSPSEEVE